The following is an entry in ClinVar:

NM_001267550.2(TTN):c.55487G>A (p.Cys18496Tyr)

Genes: TTN (titin; minus strand), TTN-AS1 (TTN antisense RNA 1; plus strand). Cytogenetic location: 2q31.2.
Variant type: single nucleotide variant.
Coding change: c.55487G>A on transcript NM_001267550.2 (MANE Select); coding-DNA position 55487, G replaced by A.
Protein change: p.Cys18496Tyr; replaces cysteine 18496 with tyrosine.
Molecular consequence: missense variant.
Genome position (GRCh38, 1-based): chr2:178,601,510, C>T on the plus strand (G>A on the coding strand, the complement: TTN is on the minus strand). VCF-style: chr2-178601510-C-T. GRCh37 (hg19) VCF-style: chr2-179466237-C-T.
Other names: c.50564G>A, p.Cys16855Tyr (NM_001256850.1); c.28292G>A, p.Cys9431Tyr (NM_003319.4); c.47783G>A, p.Cys15928Tyr (NM_133378.4); c.28667G>A, p.Cys9556Tyr (NM_133432.3); c.28868G>A, p.Cys9623Tyr (NM_133437.4); short protein forms C9431Y, C9556Y, C18496Y, C9623Y, C15928Y, C16855Y.
Identifiers: ClinVar variation 1796527 (VCV001796527.2), dbSNP rs1576287548, ClinGen allele CA349540914.

ClinVar aggregate classification (germline): Uncertain significance (1 of 4 stars; one submission).

Conditions:
Cardiovascular phenotype. Identifiers: MedGen CN230736.

Allele frequency attached by ClinVar (database versions not stated): gnomAD exomes below 0.00001; TOPMed below 0.00001.
gnomAD v4.1: 2 of 1,612,924 alleles (0.00012%); highest among the groups gnomAD compares: African/African-American, 0.0013%; no homozygotes.

Submission:

Ambry Genetics
Classification: Uncertain significance for Cardiovascular phenotype. Last evaluated: 2019-12-12. Review status: criteria provided, single submitter. Criteria: Ambry Variant Classification Scheme 2023. Collection method: clinical testing. Allele origin: germline.
Comment: The p.C9431Y variant (also known as c.28292G>A), located in coding exon 114 of the TTN gene, results from a G to A substitution at nucleotide position 28292. The cysteine at codon 9431 is replaced by tyrosine, an amino acid with highly dissimilar properties. This amino acid position is well conserved in available vertebrate species. In addition, the in silico prediction for this alteration is inconclusive. Since supporting evidence is limited at this time, the clinical significance of this alteration remains unclear.